The following is an entry in ClinVar:

NM_015378.4(VPS13D):c.8109C>G (p.Gly2703=)

Gene: VPS13D (vacuolar protein sorting 13 homolog D; plus strand). Cytogenetic location: 1p36.22.
Variant type: single nucleotide variant.
Coding change: c.8109C>G on transcript NM_015378.4 (MANE Select); coding-DNA position 8109, C replaced by G.
Protein change: p.Gly2703=; no amino-acid change (glycine 2703 retained).
Molecular consequence: synonymous variant.
Genome position (GRCh38, 1-based): chr1:12,327,766, C>G. VCF-style: chr1-12327766-C-G. GRCh37 (hg19) VCF-style: chr1-12387823-C-G.
Other names: c.8109C>G, p.Gly2703= (NM_018156.4).
Identifiers: ClinVar variation 2187768 (VCV002187768.21), dbSNP rs201607970, ClinGen allele CA603012.
Genomic context (GRCh38, chr1:12,327,766, plus strand): 5'-TTCCTTGGCCTCCACCAGCCGAGATAGCCCAGGGGCTGTGGCAGCGCCATTGATCTCTGG[C>G]GTGGAGATCAAAGCTGAGAGTGTGTGCATCTGTTTCATCGATGACTGCATGGATTGTGAT-3'
Protein context (NP_056193.2, residues 2693-2713): PGAVAAPLIS[Gly2703=]VEIKAESVCI

ClinVar aggregate classification (germline): Likely benign. Review status: criteria provided, multiple submitters, no conflicts (2 of 4 stars). 2 submissions from 2 submitters: Likely benign (2). Last evaluated 2025-12-01.

gnomAD v4.1: 38 of 1,613,970 alleles (0.0024%); highest among the groups gnomAD compares: Non-Finnish European, 0.0032%; no homozygotes.

Submissions (2):

CeGaT Center for Human Genetics Tuebingen
Classification: Likely benign. Last evaluated: 2025-12-01. Review status: criteria provided, single submitter. Criteria: CeGaT Center For Human Genetics Tuebingen Variant Classification Criteria Version 2. Collection method: clinical testing. Allele origin: germline. Affected: yes. Observed: 2 variant alleles.
Comment: VPS13D: BP4, BP7

Labcorp Genetics (formerly Invitae), Labcorp
Classification: Likely benign. Last evaluated: 2025-10-22. Review status: criteria provided, single submitter. Criteria: Invitae Variant Classification Sherloc (09022015). Collection method: clinical testing. Allele origin: germline.